The following is an entry in ClinVar:

ClinVar aggregate classification (germline): Uncertain significance (1 of 4 stars; one submission).

Conditions:
Lafora disease. Also called: Epilepsy progressive myoclonic 2; Progressive Myoclonus Epilepsy, Lafora Type. Identifiers: Orphanet 501, MedGen C0751783, MONDO:0009697.

Allele frequency attached by ClinVar (database versions not stated): gnomAD exomes below 0.00001.

Submission:

Labcorp Genetics (formerly Invitae), Labcorp
Classification: Uncertain significance for Lafora disease. Last evaluated: 2024-10-16. Review status: criteria provided, single submitter. Criteria: Invitae Variant Classification Sherloc (09022015). Collection method: clinical testing. Allele origin: germline.
Comment: This sequence change replaces glutamine, which is neutral and polar, with leucine, which is neutral and non-polar, at codon 226 of the NHLRC1 protein (p.Gln226Leu). This variant is not present in population databases (gnomAD no frequency). This variant has not been reported in the literature in individuals affected with NHLRC1-related conditions. ClinVar contains an entry for this variant (Variation ID: 1044573). Invitae Evidence Modeling of protein sequence and biophysical properties (such as structural, functional, and spatial information, amino acid conservation, physicochemical variation, residue mobility, and thermodynamic stability) indicates that this missense variant is not expected to disrupt NHLRC1 protein function with a negative predictive value of 95%. In summary, the available evidence is currently insufficient to determine the role of this variant in disease. Therefore, it has been classified as a Variant of Uncertain Significance.

NM_198586.3(NHLRC1):c.677A>T (p.Gln226Leu)

Gene: NHLRC1 (NHL repeat containing E3 ubiquitin protein ligase 1; minus strand). Cytogenetic location: 6p22.3.
Variant type: single nucleotide variant.
Coding change: c.677A>T on transcript NM_198586.3 (MANE Select); coding-DNA position 677, A replaced by T.
Protein change: p.Gln226Leu; replaces glutamine 226 with leucine.
Molecular consequence: missense variant.
Genome position (GRCh38, 1-based): chr6:18,121,930, T>A on the plus strand (A>T on the coding strand, the complement: NHLRC1 is on the minus strand). VCF-style: chr6-18121930-T-A. GRCh37 (hg19) VCF-style: chr6-18122161-T-A.
Other names: short protein forms Q226L.
Identifiers: ClinVar variation 1044573 (VCV001044573.9), dbSNP rs1783742476, ClinGen allele CA362826541.